The following is an entry in ClinVar:

NM_000059.4(BRCA2):c.6458del (p.Pro2153fs)

Gene: BRCA2 (BRCA2 DNA repair associated; plus strand). Cytogenetic location: 13q13.1.
Variant type: Deletion.
Coding change: c.6458del on transcript NM_000059.4 (MANE Select); coding-DNA position 6458, one base deleted (C; older notation c.6458delC).
Protein change: p.Pro2153fs; shifts the reading frame from proline 2153.
Molecular consequence: frameshift variant.
Genome position (GRCh38, 1-based): chr13:32,340,813, C deleted; the last of 2 consecutive C bases (chr13:32,340,812-32,340,813); deleting either gives the same sequence. VCF-style (leftmost placement, unchanged base first): chr13-32340811-TC-T. GRCh37 (hg19) VCF-style: chr13-32914948-TC-T.
Other names: c.6458delC (NM_000059.3).
Identifiers: ClinVar variation 187346 (VCV000187346.22), dbSNP rs786203660, ClinGen allele CA024075.

ClinVar aggregate classification (germline): Pathogenic. Review status: reviewed by expert panel (3 of 4 stars). 5 submissions from 5 submitters: Pathogenic (1). 4 of the submissions do not count toward it. Last evaluated 2016-09-08.

Conditions:
Hereditary breast ovarian cancer syndrome. Also called: Hereditary breast and ovarian cancer; Hereditary breast and ovarian cancer syndrome; Breast and ovarian cancer; Hereditary breast and ovarian cancer syndrome (HBOC); Hereditary breast and/or ovarian cancer syndrome; BRCA1- and BRCA2-Associated Hereditary Breast and Ovarian Cancer. Identifiers: Orphanet 145, MedGen C0677776, MeSH D061325, MONDO:0003582. Disease mechanism: loss of function.
Hereditary cancer-predisposing syndrome. Also called: Hereditary Cancer Syndrome; Neoplastic Syndromes, Hereditary; Tumor predisposition; Hereditary neoplastic syndrome. Identifiers: Orphanet 140162, MedGen C0027672, MeSH D009386, MONDO:0015356.
Breast-ovarian cancer, familial, susceptibility to, 2 (BROVCA2). Also called: BRCA2 Hereditary Breast and Ovarian Cancer. Identifiers: Orphanet 145, MedGen C2675520, MONDO:0012933, OMIM 612555. Disease mechanism: loss of function.

Submissions (5):

Evidence-based Network for the Interpretation of Germline Mutant Alleles (ENIGMA)
Classification: Pathogenic for Breast-ovarian cancer, familial, susceptibility to, 2. Last evaluated: 2016-09-08. Review status: reviewed by expert panel. Criteria: ENIGMA BRCA1/2 Classification Criteria (2015). Collection method: curation. Allele origin: germline.
Comment: Variant allele predicted to encode a truncated non-functional protein.

Labcorp Genetics (formerly Invitae), Labcorp
Classification: Pathogenic for Hereditary breast ovarian cancer syndrome. Last evaluated: 2024-09-12. Review status: criteria provided, single submitter. Criteria: Invitae Variant Classification Sherloc (09022015). Collection method: clinical testing. Allele origin: germline. Not counted in ClinVar's aggregate classification.
Comment: This sequence change creates a premature translational stop signal (p.Pro2153Hisfs*15) in the BRCA2 gene. It is expected to result in an absent or disrupted protein product. Loss-of-function variants in BRCA2 are known to be pathogenic (PMID: 20104584). This variant is not present in population databases (gnomAD no frequency). This premature translational stop signal has been observed in individual(s) with breast cancer (PMID: 25371446). This variant is also known as 6686delC. ClinVar contains an entry for this variant (Variation ID: 187346). For these reasons, this variant has been classified as Pathogenic.

Color Diagnostics, LLC DBA Color Health
Classification: Pathogenic for Hereditary cancer-predisposing syndrome. Last evaluated: 2022-02-22. Review status: criteria provided, single submitter. Criteria: ACMG Guidelines, 2015. Collection method: clinical testing. Allele origin: germline. Not counted in ClinVar's aggregate classification.
Comment: This variant deletes 1 nucleotide in exon 11 of the BRCA2 gene, creating a frameshift and premature translation stop signal. This variant is expected to result in an absent or non-functional protein product. This variant is also known as 6686delC based on Breast Cancer Information Core (BIC) nomenclature. This variant has been reported in an individual with early onset breast cancer (PMID: 25371446). This variant has not been identified in the general population by the Genome Aggregation Database (gnomAD). Loss of BRCA2 function is a known mechanism of disease. Based on the available evidence, this variant is classified as Pathogenic.

Quest Diagnostics Nichols Institute San Juan Capistrano
Classification: Pathogenic. Last evaluated: 2020-11-19. Review status: criteria provided, single submitter. Criteria: Quest Diagnostics criteria. Collection method: clinical testing. Allele origin: unknown. Not counted in ClinVar's aggregate classification.
Comment: This frameshift variant causes the premature termination of BRCA2 protein synthesis. It has been reported in an individual with breast cancer in the published literature (PMID: 25371446 (2014)). This variant has not been reported in large, multi-ethnic general populations. Therefore, the variant is classified as pathogenic.

Ambry Genetics
Classification: Pathogenic for Hereditary cancer-predisposing syndrome. Last evaluated: 2018-11-28. Review status: criteria provided, single submitter. Criteria: Ambry Variant Classification Scheme 2023. Collection method: clinical testing. Allele origin: germline. Not counted in ClinVar's aggregate classification.
Comment: The c.6458delC pathogenic mutation, located in coding exon 10 of the BRCA2 gene, results from a deletion of one nucleotide at nucleotide position 6458, causing a translational frameshift with a predicted alternate stop codon (p.P2153Hfs*15). This alteration is expected to result in loss of function by premature protein truncation or nonsense-mediated mRNA decay. As such, this alteration is interpreted as a disease-causing mutation.

Literature cited by the submitters: PubMed 20104584 (cited by Labcorp Genetics (formerly Invitae), Labcorp); PubMed 25371446 (cited by 4 submitters); PubMed 26295337 (cited by Quest Diagnostics Nichols Institute San Juan Capistrano).